The following is an entry in ClinVar:

ClinVar aggregate classification (germline): Conflicting classifications of pathogenicity. Review status: criteria provided, conflicting classifications (1 of 4 stars). 2 submissions from 2 submitters: Uncertain significance (1); Benign (1). Last evaluated 2022-12-12.

Conditions:
Tip-toe gait. Also called: Toe walking. Identifiers: MedGen C0427144, HP:0030051.
Glycogen storage disease, type V (GSD5). Also called: McArdle type glycogen storage disease; MCARDLE DISEASE; MUSCLE GLYCOGEN PHOSPHORYLASE DEFICIENCY; MYOPHOSPHORYLASE DEFICIENCY; PYGM DEFICIENCY. Identifiers: Orphanet 368, MedGen C0017924, MONDO:0009293, OMIM 232600.

Allele frequency attached by ClinVar (database versions not stated): ExAC 0.00007; gnomAD 0.00009; TOPMed 0.00009; gnomAD exomes 0.00011.

Submissions (2):

Practice for Gait Abnormalities, David Pomarino, Competency Network Toe Walking C/o Practice Pomarino
Classification: Benign for Tip-toe gait. Last evaluated: 2022-12-12. Review status: criteria provided, single submitter. Criteria: Pomarino et al. (J Musculoskelet Neuronal Interact. 2026). Collection method: clinical testing. Allele origin: germline. Affected: yes.

Baylor Genetics
Classification: Uncertain significance for Glycogen storage disease, type V. Last evaluated: 2018-04-05. Review status: criteria provided, single submitter. Criteria: ACMG Guidelines, 2015. Collection method: clinical testing. Allele origin: paternal. Affected: yes.
Comment: This variant was determined to be of uncertain significance according to ACMG Guidelines, 2015 [PMID:25741868].

NM_005609.4(PYGM):c.-20C>T

Gene: PYGM (glycogen phosphorylase, muscle associated; minus strand). Cytogenetic location: 11q13.1.
Variant type: single nucleotide variant.
Coding change: c.-20C>T on transcript NM_005609.4 (MANE Select); 20 bases upstream of the start codon, C replaced by T.
Molecular consequence: 5 prime UTR variant.
Genome position (GRCh38, 1-based): chr11:64,759,918, G>A on the plus strand (C>T on the coding strand, the complement: PYGM is on the minus strand). VCF-style: chr11-64759918-G-A. GRCh37 (hg19) VCF-style: chr11-64527390-G-A.
Other names: c.-20C>T (NM_001164716.1, NM_005609.3).
Identifiers: ClinVar variation 1033015 (VCV001033015.2), dbSNP rs71581796, ClinGen allele CA6080405.
Genomic context (GRCh38, chr11:64,759,918, plus strand): 5'-ATTTGCTTTCTTTTCTCTTGGTCTGACAGGGGCCGGGACATGGCTGCAGGAGGGCGGGCC[G>A]GACTGGACTGATGGTAGAGGGGACGGCGGCCTCAGCACTGCCTCCAGCCAAGGAGTGGAG-3'